The following is an entry in ClinVar:

ClinVar aggregate classification (germline): Uncertain significance (1 of 4 stars; one submission).

Conditions:
Inborn genetic diseases. Identifiers: MedGen C0950123, MeSH D030342.

Submission:

Ambry Genetics
Classification: Uncertain significance for Inborn genetic diseases. Last evaluated: 2021-10-29. Review status: criteria provided, single submitter. Criteria: Ambry Variant Classification Scheme 2023. Collection method: clinical testing. Allele origin: germline.
Comment: The p.T536A variant (also known as c.1606A>G), located in coding exon 9 of the PIK3CA gene, results from an A to G substitution at nucleotide position 1606. The threonine at codon 536 is replaced by alanine, an amino acid with similar properties. This amino acid position is conserved. In addition, this alteration is predicted to be tolerated by in silico analysis. Since supporting evidence is limited at this time, the clinical significance of this alteration remains unclear.

NM_006218.4(PIK3CA):c.1606A>G (p.Thr536Ala)

Gene: PIK3CA (phosphatidylinositol-4,5-bisphosphate 3-kinase catalytic subunit alpha; plus strand). Cytogenetic location: 3q26.32.
Variant type: single nucleotide variant.
Coding change: c.1606A>G on transcript NM_006218.4 (MANE Select); coding-DNA position 1606, A replaced by G.
Protein change: p.Thr536Ala; replaces threonine 536 with alanine.
Molecular consequence: missense variant.
Genome position (GRCh38, 1-based): chr3:179,218,276, A>G. VCF-style: chr3-179218276-A-G. GRCh37 (hg19) VCF-style: chr3-178936064-A-G.
Other names: short protein forms T536A.
Identifiers: ClinVar variation 1776285 (VCV001776285.2), dbSNP rs2108408196, ClinGen allele CA355264939.